The following is an entry in ClinVar:

NM_015311.3(OBSL1):c.1708G>A (p.Glu570Lys)

Gene: OBSL1 (obscurin like cytoskeletal adaptor 1; minus strand). Cytogenetic location: 2q35.
Variant type: single nucleotide variant.
Coding change: c.1708G>A on transcript NM_015311.3 (MANE Select); coding-DNA position 1708, G replaced by A.
Protein change: p.Glu570Lys; replaces glutamic acid 570 with lysine.
Molecular consequence: missense variant.
Genome position (GRCh38, 1-based): chr2:219,567,402, C>T on the plus strand (G>A on the coding strand, the complement: OBSL1 is on the minus strand). VCF-style: chr2-219567402-C-T. GRCh37 (hg19) VCF-style: chr2-220432124-C-T.
Other names: c.1708G>A, p.Glu570Lys (NM_001173408.2, NM_001173431.2); short protein forms E570K.
Identifiers: ClinVar variation 1515242 (VCV001515242.6), dbSNP rs767094545, ClinGen allele CA2131454.

ClinVar aggregate classification (germline): Uncertain significance (1 of 4 stars; one submission).

Allele frequency attached by ClinVar (database versions not stated): gnomAD 0.00001; gnomAD exomes 0.00001; ExAC 0.00002; TOPMed 0.00002.

Submission:

Labcorp Genetics (formerly Invitae), Labcorp
Classification: Uncertain significance. Last evaluated: 2021-10-27. Review status: criteria provided, single submitter. Criteria: Invitae Variant Classification Sherloc (09022015). Collection method: clinical testing. Allele origin: germline.
Comment: This sequence change replaces glutamic acid, a(n) acidic and polar amino acid, with lysine, a(n) basic and polar amino acid, at codon 570 of the OBSL1 protein (p.Glu570Lys). This variant is present in population databases (rs767094545, gnomAD 0.003%). This variant has not been reported in the literature in individuals affected with OBSL1-related conditions. Algorithms developed to predict the effect of missense changes on protein structure and function are either unavailable or do not agree on the potential impact of this missense change (SIFT: "Deleterious"; PolyPhen-2: "Benign"; Align-GVGD: "Class C0"). In summary, the available evidence is currently insufficient to determine the role of this variant in disease. Therefore, it has been classified as a Variant of Uncertain Significance.